The following is an entry in ClinVar:

NM_000174.5(GP9):c.342C>T (p.Ala114=)

Gene: GP9 (glycoprotein IX platelet; plus strand). Cytogenetic location: 3q21.3.
Variant type: single nucleotide variant.
Coding change: c.342C>T on transcript NM_000174.5 (MANE Select); coding-DNA position 342, C replaced by T.
Protein change: p.Ala114=; no amino-acid change (alanine 114 retained).
Molecular consequence: synonymous variant.
Genome position (GRCh38, 1-based): chr3:129,062,081, C>T. VCF-style: chr3-129062081-C-T. GRCh37 (hg19) VCF-style: chr3-128780924-C-T.
Other names: c.342C>T (NM_000174.4).
Identifiers: ClinVar variation 1150760 (VCV001150760.10), dbSNP rs887132252, ClinGen allele CA82552507.

ClinVar aggregate classification (germline): Conflicting classifications of pathogenicity. Review status: criteria provided, conflicting classifications (1 of 4 stars). 2 submissions from 2 submitters: Uncertain significance (1); Likely benign (1). Last evaluated 2024-01-25.

Allele frequency attached by ClinVar (database versions not stated): gnomAD 0.00001; gnomAD exomes 0.00002; TOPMed 0.00002.
gnomAD v4.1: 31 of 1,609,466 alleles (0.0019%); highest among the groups gnomAD compares: Non-Finnish European, 0.0024%; no homozygotes.

Submissions (2):

GeneDx
Classification: Uncertain significance. Last evaluated: 2024-01-25. Review status: criteria provided, single submitter. Criteria: GeneDx Variant Classification Process June 2021. Collection method: clinical testing. Allele origin: germline. Affected: yes.
Comment: Not observed at significant frequency in large population cohorts (gnomAD); In silico analysis supports that this variant does not alter splicing; Has not been previously published as pathogenic or benign to our knowledge

Labcorp Genetics (formerly Invitae), Labcorp
Classification: Likely benign. Last evaluated: 2023-02-27. Review status: criteria provided, single submitter. Criteria: Invitae Variant Classification Sherloc (09022015). Collection method: clinical testing. Allele origin: germline.